The following is an entry in ClinVar:

ClinVar aggregate classification (germline): Conflicting classifications of pathogenicity. Review status: criteria provided, conflicting classifications (1 of 4 stars). 2 submissions from 2 submitters: Uncertain significance (1); Benign (1). Last evaluated 2026-03-29.

Conditions:
Cardiovascular phenotype. Identifiers: MedGen CN230736.
Dilated cardiomyopathy 1AA (CMD1AA). Also called: CARDIOMYOPATHY, DILATED, 1AA, WITH OR WITHOUT LEFT VENTRICULAR NONCOMPACTION; CARDIOMYOPATHY, FAMILIAL HYPERTROPHIC, 23, WITH OR WITHOUT LEFT VENTRICULAR NONCOMPACTION; Cardiomyopathy, dilated, 1AA, with or without LVNC. Identifiers: Orphanet 154, MedGen C2677338, MONDO:0012808, OMIM 612158.
Primary familial hypertrophic cardiomyopathy (HCM). Identifiers: Orphanet 99739, MedGen C0949658, MeSH D024741, MONDO:0024573. Inheritance: Various modes of inheritance.

gnomAD v4.1: 17 of 1,613,964 alleles (0.0011%); highest among the groups gnomAD compares: Admixed American, 0.027%; no homozygotes.

Submissions (2):

Ambry Genetics
Classification: Uncertain significance for Cardiovascular phenotype. Last evaluated: 2026-03-29. Review status: criteria provided, single submitter. Criteria: Ambry Variant Classification Scheme 2023. Collection method: clinical testing. Allele origin: germline.
Comment: The p.N580K variant (also known as c.1740C>A), located in coding exon 15 of the ACTN2 gene, results from a C to A substitution at nucleotide position 1740. The asparagine at codon 580 is replaced by lysine, an amino acid with similar properties. This amino acid position is conserved. In addition, this alteration is predicted to be tolerated by in silico analysis. Based on the available evidence, the clinical significance of this variant remains unclear.

Labcorp Genetics (formerly Invitae), Labcorp
Classification: Benign for Primary familial hypertrophic cardiomyopathy; Dilated cardiomyopathy 1AA. Last evaluated: 2024-10-28. Review status: criteria provided, single submitter. Criteria: Invitae Variant Classification Sherloc (09022015). Collection method: clinical testing. Allele origin: germline.

NM_001103.4(ACTN2):c.1740C>A (p.Asn580Lys)

Gene: ACTN2 (actinin alpha 2; plus strand). Cytogenetic location: 1q43.
Variant type: single nucleotide variant.
Coding change: c.1740C>A on transcript NM_001103.4 (MANE Select); coding-DNA position 1740, C replaced by A.
Protein change: p.Asn580Lys; replaces asparagine 580 with lysine.
Molecular consequence: missense variant.
Genome position (GRCh38, 1-based): chr1:236,751,553, C>A. VCF-style: chr1-236751553-C-A. GRCh37 (hg19) VCF-style: chr1-236914853-C-A.
Other names: c.1740C>A, p.Asn580Lys (NM_001278343.2); c.1116C>A, p.Asn372Lys (NM_001278344.2); c.1740C>A (NM_001103.2); short protein forms N372K, N580K.
Identifiers: ClinVar variation 1478350 (VCV001478350.8), dbSNP rs3738546, ClinGen allele CA345385927.